The following is an entry in ClinVar:

ClinVar aggregate classification (germline): Uncertain significance (1 of 4 stars; one submission).

Submission:

GeneDx
Classification: Uncertain significance. Last evaluated: 2024-02-26. Review status: criteria provided, single submitter. Criteria: GeneDx Variant Classification Process June 2021. Collection method: clinical testing. Allele origin: germline. Affected: yes.
Comment: Not observed at significant frequency in large population cohorts (gnomAD); In silico analysis supports that this missense variant has a deleterious effect on protein structure/function; Has not been previously published as pathogenic or benign to our knowledge

NM_001037333.3(CYFIP2):c.3518T>C (p.Phe1173Ser)

Genes: NIPAL4-DT (NIPAL4 divergent transcript; minus strand), CYFIP2 (cytoplasmic FMR1 interacting protein 2; plus strand), LOC126807569 (P300/CBP strongly-dependent group 1 enhancer GRCh37_chr5:156817055-156818254; plus strand). Cytogenetic location: 5q33.3.
Variant type: single nucleotide variant.
Coding change: c.3518T>C on transcript NM_001037333.3 (MANE Select); coding-DNA position 3518, T replaced by C.
Protein change: p.Phe1173Ser; replaces phenylalanine 1173 with serine.
Molecular consequence: missense variant.
Genome position (GRCh38, 1-based): chr5:157,390,592, T>C. VCF-style: chr5-157390592-T-C. GRCh37 (hg19) VCF-style: chr5-156817600-T-C.
Other names: c.3440T>C, p.Phe1147Ser (NM_001291721.2); c.3593T>C, p.Phe1198Ser (NM_001291722.2); c.3518T>C, p.Phe1173Ser (NM_014376.4); short protein forms F1147S, F1173S, F1198S.
Identifiers: ClinVar variation 3369846 (VCV003369846.1).